The following is an entry in ClinVar:

NM_000278.5(PAX2):c.410+3G>A

Gene: PAX2 (paired box 2; plus strand). Cytogenetic location: 10q24.31.
Variant type: single nucleotide variant.
Coding change: c.410+3G>A on transcript NM_000278.5 (MANE Select); 3 bases into the intron after coding-DNA position 410, G replaced by A.
Molecular consequence: intron variant.
Genome position (GRCh38, 1-based): chr10:100,750,894, G>A. VCF-style: chr10-100750894-G-A. GRCh37 (hg19) VCF-style: chr10-102510651-G-A.
Other names: c.503+3G>A (NM_001304569.2); c.410+3G>A (NM_003987.5, NM_003990.5, NM_003988.5 and 1 more transcripts).
Identifiers: ClinVar variation 2149087 (VCV002149087.4), dbSNP rs1215282618, ClinGen allele CA595645750.

ClinVar aggregate classification (germline): Uncertain significance (1 of 4 stars; one submission).

Conditions:
Renal coloboma syndrome (PAPRS). Also called: PAPILLORENAL SYNDROME; COLOBOMA OF OPTIC NERVE WITH RENAL DISEASE; OPTIC COLOBOMA, VESICOURETERAL REFLUX, AND RENAL ANOMALIES; OPTIC NERVE COLOBOMA WITH RENAL DISEASE; RENAL-COLOBOMA SYNDROME WITH MACULAR ABNORMALITIES; PAPILLORENAL SYNDROME WITH MILD OCULAR ABNORMALITIES. Identifiers: Orphanet 1475, MedGen C1852759, MONDO:0007352, OMIM 120330.
Focal segmental glomerulosclerosis 7 (FSGS7). Identifiers: Orphanet 656, MedGen C4014925, MONDO:0014451, OMIM 616002.

Allele frequency attached by ClinVar (database versions not stated): gnomAD exomes 0.00001; gnomAD 0.00001; TOPMed 0.00001.
gnomAD v4.1: 16 of 1,612,954 alleles (0.00099%); highest among the groups gnomAD compares: South Asian, 0.0022%; no homozygotes.

Submission:

Labcorp Genetics (formerly Invitae), Labcorp
Classification: Uncertain significance for Renal coloboma syndrome; Focal segmental glomerulosclerosis 7. Last evaluated: 2025-08-20. Review status: criteria provided, single submitter. Criteria: Invitae Variant Classification Sherloc (09022015). Collection method: clinical testing. Allele origin: germline.
Comment: This sequence change falls in intron 3 of the PAX2 gene. It does not directly change the encoded amino acid sequence of the PAX2 protein. It affects a nucleotide within the consensus splice site. This variant is present in population databases (no rsID available, gnomAD 0.004%). This variant has not been reported in the literature in individuals affected with PAX2-related conditions. ClinVar contains an entry for this variant (Variation ID: 2149087). Variants that disrupt the consensus splice site are a relatively common cause of aberrant splicing (PMID: 17576681, 9536098). Algorithms developed to predict the effect of sequence changes on RNA splicing suggest that this variant is not likely to affect RNA splicing. In summary, the available evidence is currently insufficient to determine the role of this variant in disease. Therefore, it has been classified as a Variant of Uncertain Significance.

Literature cited by the submitters: PubMed 17576681; PubMed 9536098.